The following is an entry in ClinVar:

ClinVar aggregate classification (germline): Uncertain significance (1 of 4 stars; one submission).

Allele frequency attached by ClinVar (database versions not stated): gnomAD exomes below 0.00001.
gnomAD v4.1: 1 of 1,554,154 alleles (0.000064%); highest among the groups gnomAD compares: South Asian, 0.0012%; no homozygotes.

Submission:

Ambry Genetics
Classification: Uncertain significance. Last evaluated: 2022-06-11. Review status: criteria provided, single submitter. Criteria: Ambry Variant Classification Scheme 2023. Collection method: clinical testing. Allele origin: germline.
Comment: The p.I866K variant (also known as c.2597T>A), located in coding exon 23 of the PRKDC gene, results from a T to A substitution at nucleotide position 2597. The isoleucine at codon 866 is replaced by lysine, an amino acid with dissimilar properties. This amino acid position is conserved. In addition, the in silico prediction for this alteration is inconclusive. Since supporting evidence is limited at this time, the clinical significance of this alteration remains unclear.

NM_006904.7(PRKDC):c.2597T>A (p.Ile866Lys)

Gene: PRKDC (protein kinase, DNA-activated, catalytic subunit; minus strand). Cytogenetic location: 8q11.21.
Variant type: single nucleotide variant.
Coding change: c.2597T>A on transcript NM_006904.7 (MANE Select); coding-DNA position 2597, T replaced by A.
Protein change: p.Ile866Lys; replaces isoleucine 866 with lysine.
Molecular consequence: missense variant.
Genome position (GRCh38, 1-based): chr8:47,915,348, A>T on the plus strand (T>A on the coding strand, the complement: PRKDC is on the minus strand). VCF-style: chr8-47915348-A-T. GRCh37 (hg19) VCF-style: chr8-48827908-A-T.
Other names: c.2597T>A, p.Ile866Lys (NM_001081640.2); short protein forms I866K.
Identifiers: ClinVar variation 1793581 (VCV001793581.2), dbSNP rs1256949184, ClinGen allele CA371159800.
Genomic context (GRCh38, chr8:47,915,348, plus strand): 5'-AATATATCTACAGAGGTTATTTATTTTAAAAGAAGTTTACCTGTCAGAAGATTTTTGTTT[A>T]TTTGTCCTCCTAGAGATCCAAGCATTTGTACTACTCTAATTCTTATTTCTTCTAAGGATA-3'
Protein context (NP_008835.5, residues 856-876): VQMLGSLGGQ[Ile866Lys]NKNLLTVTSS